The following is an entry in ClinVar:

NM_001083961.2(WDR62):c.3480G>A (p.Lys1160=)

Gene: WDR62 (WD repeat domain 62; plus strand). Cytogenetic location: 19q13.12.
Variant type: single nucleotide variant.
Coding change: c.3480G>A on transcript NM_001083961.2 (MANE Select); coding-DNA position 3480, G replaced by A.
Protein change: p.Lys1160=; no amino-acid change (lysine 1160 retained).
Molecular consequence: synonymous variant.
Genome position (GRCh38, 1-based): chr19:36,103,173, G>A. VCF-style: chr19-36103173-G-A. GRCh37 (hg19) VCF-style: chr19-36594075-G-A.
Other names: c.3465G>A, p.Lys1155= (NM_173636.5).
Identifiers: ClinVar variation 390546 (VCV000390546.5), dbSNP rs370515965, ClinGen allele CA9396302.

ClinVar aggregate classification (germline): Likely benign. Review status: criteria provided, multiple submitters, no conflicts (2 of 4 stars). 2 submissions from 2 submitters: Likely benign (2). Last evaluated 2026-01-22.

Allele frequency attached by ClinVar (database versions not stated): gnomAD exomes 0.00001 and 0.00002; ExAC 0.00002; gnomAD 0.00003 and 0.00004; TOPMed 0.00004; ESP Exome Variant Server 0.00008.
gnomAD v4.1: 13 of 1,613,956 alleles (0.00081%); highest among the groups gnomAD compares: Admixed American, 0.0083%; no homozygotes.

Submissions (2):

Labcorp Genetics (formerly Invitae), Labcorp
Classification: Likely benign. Last evaluated: 2026-01-22. Review status: criteria provided, single submitter. Criteria: Invitae Variant Classification Sherloc (09022015). Collection method: clinical testing. Allele origin: germline.

GeneDx
Classification: Likely benign. Last evaluated: 2016-11-10. Review status: criteria provided, single submitter. Criteria: GeneDx Variant Classification (06012015). Collection method: clinical testing. Allele origin: germline. Affected: yes.
Comment: This variant is considered likely benign or benign based on one or more of the following criteria: it is a conservative change, it occurs at a poorly conserved position in the protein, it is predicted to be benign by multiple in silico algorithms, and/or has population frequency not consistent with disease.